The following is an entry in ClinVar:

NM_001384140.1(PCDH15):c.3717+2dup

Gene: PCDH15 (protocadherin related 15; minus strand). Cytogenetic location: 10q21.1.
Variant type: Duplication.
Coding change: c.3717+2dup on transcript NM_001384140.1 (MANE Select); the canonical splice donor site of the intron after coding-DNA position 3717, one base duplicated (T; older notation c.3717+2dupT).
Molecular consequence: splice donor variant.
Genome position (GRCh38, 1-based): chr10:53,866,640, A duplicated on the plus strand (T on the coding strand, the reverse complement: PCDH15 is on the minus strand). VCF-style (leftmost placement, unchanged base first): chr10-53866639-T-TA. GRCh37 (hg19) VCF-style: chr10-55626399-T-TA.
Other names: c.3717+2dup (NM_001354420.2, NM_001354429.2, NM_001142772.2 and 4 more transcripts); c.3732+2dup (NM_001142771.2, NM_001142763.2); c.3738+2dup (NM_001354411.2); c.3753+2dup (NM_001142769.3); c.3651+2dup (NM_001354404.2, NM_001142773.2, NM_001142768.2); c.3606+2dup (NM_001142767.2); c.3504+2dup (NM_001142765.2); c.3717+2dupT (NM_033056.3).
Identifiers: ClinVar variation 553548 (VCV000553548.20), dbSNP rs1248401224, ClinGen allele CA593494832.
Genomic context (GRCh38, chr10:53,866,639, plus strand): 5'-GAAAACACTGACCTATGGCTAGTATCGTAGCTACTTCCCTTTCCTGAAGTTTTATCTACT[T>TA]ACGAGTACATCGGCTTTGCCGCTCAGTCCCTTCCCATAGTCGTCAGTTGCAATAACTTGA-3'

ClinVar aggregate classification (germline): Pathogenic/Likely pathogenic. Review status: criteria provided, multiple submitters, no conflicts (2 of 4 stars). 8 submissions from 8 submitters: Pathogenic (2); Likely pathogenic (5). 1 of the submissions does not count toward it. Last evaluated 2025-09-22.

Conditions:
PCDH15-related disorder. Also called: PCDH15-related condition; PCDH15-related disorders.
Usher syndrome type 1F (USH1F). Also called: USHER SYNDROME, TYPE IF. Identifiers: Orphanet 231169, Orphanet 886, MedGen C1865885, MONDO:0011186, OMIM 602083.
Autosomal recessive nonsyndromic hearing loss 23. Identifiers: Orphanet 90636, MedGen C1836027, MONDO:0012293, OMIM 609533.

Allele frequency attached by ClinVar (database versions not stated): gnomAD exomes below 0.00001 and 0.00001; TOPMed below 0.00001.

Submissions (8):

Natera, Inc.
Classification: Likely pathogenic for Usher syndrome type 1F. Last evaluated: 2025-09-22. Review status: criteria provided, single submitter. Criteria: Natera Variant Classification Schema (03/2026). Collection method: clinical testing. Allele origin: germline.
Comment: The c.3717+2dup variant in PCDH15 is a canonical splice donor site variant predicted to affect pre-mRNA splicing, which may result in an abnormal transcript and altered protein product. This variant is rare in the general population with a frequency below the threshold expected for the associated phenotype(s). This variant has been observed in one or more individuals affected with the associated recessive disease, as either homozygous or compound heterozygous with a second variant (PMID: 25404053). Functional studies show that this variant may disrupt protein function (PMID: 23451239). Computational prediction algorithms indicate this variant is likely to affect gene or protein function. Given the available evidence, this variant is classified as Likely Pathogenic.

PreventionGenetics, part of Exact Sciences
Classification: Pathogenic for PCDH15-related condition. Last evaluated: 2025-06-23. Review status: criteria provided, single submitter. Criteria: ACMG Guidelines, 2015. Collection method: clinical testing. Allele origin: germline.
Comment: The PCDH15 c.3717+2dupT variant is predicted to result in an intronic duplication. This variant has been reported as causative for autosomal recessive Usher syndrome and has been shown to disrupt normal splicing (Jaijo et al 2012. PubMed ID: 22815625; Aparisi et al 2013. PubMed ID: 23451239; Aparisi et al 2014. PubMed ID: 25404053). This variant is reported in 0.0087% of alleles in individuals of Latino descent in gnomAD. This variant is interpreted as pathogenic.

Labcorp Genetics (formerly Invitae), Labcorp
Classification: Pathogenic. Last evaluated: 2025-05-19. Review status: criteria provided, single submitter. Criteria: Invitae Variant Classification Sherloc (09022015). Collection method: clinical testing. Allele origin: germline.
Comment: This sequence change falls in intron 27 of the PCDH15 gene. It does not directly change the encoded amino acid sequence of the PCDH15 protein. RNA analysis indicates that this variant induces altered splicing and likely results in a shortened protein product. This variant is present in population databases (no rsID available, gnomAD 0.009%). This variant has been observed in individual(s) with Usher syndrome (PMID: 22815625, 25404053). In at least one individual the data is consistent with being in trans (on the opposite chromosome) from a pathogenic variant. This variant is also known as c.3717+2dupTT. ClinVar contains an entry for this variant (Variation ID: 553548). Variants that disrupt the consensus splice site are a relatively common cause of aberrant splicing (PMID: 17576681, 9536098). Studies have shown that this variant results in skipping of exon 27, but is expected to preserve the integrity of the reading-frame (PMID: 23451239). For these reasons, this variant has been classified as Pathogenic.

Baylor Genetics
Classification: Likely pathogenic for Autosomal recessive nonsyndromic hearing loss 23. Last evaluated: 2023-11-29. Review status: criteria provided, single submitter. Criteria: ACMG Guidelines, 2015. Collection method: clinical testing. Allele origin: unknown.

Broad Center for Mendelian Genomics, Broad Institute of MIT and Harvard
Classification: Likely pathogenic for Usher syndrome type 1F. Last evaluated: 2023-01-24. Review status: criteria provided, single submitter. Criteria: ACMG Guidelines, 2015. Collection method: curation. Allele origin: germline. Inheritance: Autosomal recessive inheritance.
Comment: The c.3717+2dup variant in PCDH15 has been reported in 2 individuals with Usher syndrome type 1F (PMID: 22815625, 23451239, 25404053) and has been identified in 0.009% (3/34464) of Latino/Admixed American chromosomes by the Genome Aggregation Database (gnomAD; dbSNP ID: rs1248401224). Although this variant has been seen in the general population in a heterozygous state, its frequency is low enough to be consistent with a recessive carrier frequency. This variant has also been reported in ClinVar (Variation ID#: 553548) and has been interpreted as pathogenic or likely pathogenic by Invitae and Natera, Inc., and as a variant of uncertain significance by Counsyl. Of the 2 affected individuals, 1 of those was a homozygote and 1 was a compound heterozygote that carried a reported pathogenic variant with unknown phase, which increases the likelihood that the c.3717+2dup variant is pathogenic (PMID: 22815625, 23451239, 25404053). In vitro functional studies provide some evidence that the c.3717+2dup variant may impact protein function (PMID: 23451239). However, these types of assays may not accurately represent biological function. This variant is located in the 3‚Äô splice region. Computational tools do suggest an impact to splicing. However, this information is not predictive enough to determine pathogenicity. In summary, although additional studies are required to fully establish its clinical significance, this variant is likely pathogenic for autosomal recessive Usher syndrome type 1F. ACMG/AMP Criteria applied: PM2_supporting, PP3, PM3, PS3_moderate (Richards 2015).

GeneDx
Classification: Likely pathogenic. Last evaluated: 2023-01-05. Review status: criteria provided, single submitter. Criteria: GeneDx Variant Classification Process June 2021. Collection method: clinical testing. Allele origin: germline. Affected: yes.
Comment: Published functional studies suggest the c.3717+2dupT results in the skipping of exon 27 and utilization of a cryptic splice site (Aparisi et al., 2013); Intronic splice site variant in a gene for which loss of function is a known mechanism of disease, and both splice predictors and evolutionary conservation support a deleterious effect.; Not observed at significant frequency in large population cohorts (gnomAD); This variant is associated with the following publications: (PMID: 25404053, 22815625, 23451239)

Women's Health and Genetics/Laboratory Corporation of America, LabCorp
Classification: Likely pathogenic for Usher syndrome type 1F. Last evaluated: 2022-12-21. Review status: criteria provided, single submitter. Criteria: LabCorp Variant Classification Summary - May 2015. Collection method: clinical testing. Allele origin: germline.
Comment: Variant summary: PCDH15 c.3717+2dupT alters a conserved nucleotide located close to a canonical splice site and therefore could affect mRNA splicing, leading to a significantly altered protein sequence. Several computational tools predict a significant impact on normal splicing: Four predict the variant abolishes a 5' splicing donor site. At least one publication reports experimental evidence that this variant affects mRNA splicing, significantly altering the expected protein size. (Aparisi_2013). The variant allele was found at a frequency of 1.2e-05 in 250884 control chromosomes. c.3717+2dupT has been reported in the literature in individuals affected with Usher Syndrome Type 1F (e.g. Jaijo_2012, Aparisi_2014). These data indicate that the variant is likely to be associated with disease. Three clinical diagnostic laboratories have submitted clinical-significance assessments for this variant to ClinVar after 2014, with one lab citing the variant as pathogenic, one as likely pathogenic, and one as uncertain significance. Based on the evidence outlined above, the variant was classified as likely pathogenic.

Counsyl
Classification: Uncertain significance for Usher syndrome type 1F. Last evaluated: 2017-08-29. Review status: no assertion criteria provided. Collection method: clinical testing. Allele origin: unknown. Not counted in ClinVar's aggregate classification.

Literature cited by the submitters: PubMed 25404053 (cited by 4 submitters); PubMed 23451239 (cited by 5 submitters); PubMed 22815625 (cited by 3 submitters); PubMed 17576681 (cited by Labcorp Genetics (formerly Invitae), Labcorp); PubMed 9536098 (cited by Labcorp Genetics (formerly Invitae), Labcorp); PubMed 30459346 (cited by Women's Health and Genetics/Laboratory Corporation of America, LabCorp).